The following is an entry in ClinVar:

NM_001128178.3(NPHP1):c.860-2A>G

Gene: NPHP1 (nephrocystin 1; minus strand). Cytogenetic location: 2q13.
Variant type: single nucleotide variant.
Coding change: c.860-2A>G on transcript NM_001128178.3 (MANE Select); the canonical splice acceptor site of the intron before coding-DNA position 860, A replaced by G.
Molecular consequence: splice acceptor variant.
Genome position (GRCh38, 1-based): chr2:110,161,699, T>C on the plus strand (A>G on the coding strand, the complement: NPHP1 is on the minus strand). VCF-style: chr2-110161699-T-C. GRCh37 (hg19) VCF-style: chr2-110919276-T-C.
Other names: c.671-2A>G (NM_001128179.3); c.857-2A>G (NM_001374256.1); c.860-2A>G (NM_001374257.1); c.1025-2A>G (NM_207181.4); c.1028-2A>G (NM_000272.5).
Identifiers: ClinVar variation 2711096 (VCV002711096.3), dbSNP rs2467345309, ClinGen allele CA348090413.
Genomic context (GRCh38, chr2:110,161,699, plus strand): 5'-GGCCAGTTGTGAAGGCATGAGCTCTGGTTGTAAGAAGTAATTTGCTCGAAATTGATTCCC[T>C]GAAAAAATCATTTTTTCTTCATTTTCTTACAAAGAAAGAAACTCCAAATCAAAAATCCAT-3'

ClinVar aggregate classification (germline): Likely pathogenic (1 of 4 stars; one submission).

Conditions:
Nephronophthisis. Also called: Juvenile Nephronophthisis. Identifiers: Orphanet 655, MedGen C0687120, MONDO:0019005, HP:0000090.

Submission:

Labcorp Genetics (formerly Invitae), Labcorp
Classification: Likely pathogenic for Nephronophthisis. Last evaluated: 2023-06-10. Review status: criteria provided, single submitter. Criteria: Invitae Variant Classification Sherloc (09022015). Collection method: clinical testing. Allele origin: germline.
Comment: This sequence change affects an acceptor splice site in intron 9 of the NPHP1 gene. It is expected to disrupt RNA splicing. Variants that disrupt the donor or acceptor splice site typically lead to a loss of protein function (PMID: 16199547), and loss-of-function variants in NPHP1 are known to be pathogenic (PMID: 23559409). This variant is not present in population databases (gnomAD no frequency). This variant has not been reported in the literature in individuals affected with NPHP1-related conditions. Algorithms developed to predict the effect of sequence changes on RNA splicing suggest that this variant may disrupt the consensus splice site. In summary, the currently available evidence indicates that the variant is pathogenic, but additional data are needed to prove that conclusively. Therefore, this variant has been classified as Likely Pathogenic.

Literature cited by the submitters: PubMed 16199547; PubMed 23559409.